The following is an entry in ClinVar:

ClinVar aggregate classification (germline): Uncertain significance. Review status: criteria provided, multiple submitters, no conflicts (2 of 4 stars). 4 submissions from 4 submitters: Uncertain significance (3). 1 of the submissions does not count toward it. Last evaluated 2026-03-09.

Conditions:
MHC class II deficiency. Also called: BLS, TYPE II; Bare lymphocyte syndrome 2. Identifiers: Orphanet 572, MedGen C5447452, MONDO:0008855.
CIITA-related disorder. Also called: CIITA-related condition.

Allele frequency attached by ClinVar (database versions not stated): TOPMed 0.00012; ExAC 0.00013; gnomAD 0.00013 and 0.00014; ESP Exome Variant Server 0.00015; gnomAD exomes 0.00025.

Submissions (4):

PreventionGenetics, part of Exact Sciences
Classification: Uncertain significance for CIITA-related condition. Last evaluated: 2026-03-09. Review status: criteria provided, single submitter. Criteria: ACMG Guidelines, 2015. Collection method: clinical testing. Allele origin: germline.
Comment: The CIITA c.1231C>T variant is predicted to result in the amino acid substitution p.Arg411Cys. To our knowledge, this variant has not been reported in the literature. This variant is reported in 0.022% of alleles in individuals of European (Non-Finnish) descent in gnomAD. At this time, the clinical significance of this variant is uncertain due to the absence of conclusive functional and genetic evidence.

Blueprint Genetics
Classification: Uncertain significance. Last evaluated: 2024-06-28. Review status: criteria provided, single submitter. Criteria: ACMG Guidelines, 2015. Collection method: clinical testing. Allele origin: germline.

Labcorp Genetics (formerly Invitae), Labcorp
Classification: Uncertain significance for MHC class II deficiency. Last evaluated: 2022-04-10. Review status: criteria provided, single submitter. Criteria: Invitae Variant Classification Sherloc (09022015). Collection method: clinical testing. Allele origin: germline.
Comment: This sequence change replaces arginine, which is basic and polar, with cysteine, which is neutral and slightly polar, at codon 411 of the CIITA protein (p.Arg411Cys). This variant is present in population databases (rs201966261, gnomAD 0.02%). This variant has not been reported in the literature in individuals affected with CIITA-related conditions. ClinVar contains an entry for this variant (Variation ID: 857781). Algorithms developed to predict the effect of missense changes on protein structure and function are either unavailable or do not agree on the potential impact of this missense change (SIFT: "Deleterious"; PolyPhen-2: "Possibly Damaging"; Align-GVGD: "Class C0"). In summary, the available evidence is currently insufficient to determine the role of this variant in disease. Therefore, it has been classified as a Variant of Uncertain Significance.

Natera, Inc.
Classification: Uncertain significance for Bare lymphocyte syndrome type II. Last evaluated: 2020-04-24. Review status: no assertion criteria provided. Collection method: clinical testing. Allele origin: germline. Not counted in ClinVar's aggregate classification.

NM_000246.4(CIITA):c.1231C>T (p.Arg411Cys)

Gene: CIITA (class II major histocompatibility complex transactivator; plus strand). Cytogenetic location: 16p13.13.
Variant type: single nucleotide variant.
Coding change: c.1231C>T on transcript NM_000246.4 (MANE Select); coding-DNA position 1231, C replaced by T.
Protein change: p.Arg411Cys; replaces arginine 411 with cysteine.
Molecular consequence: missense variant. On other transcripts: intron variant (1).
Genome position (GRCh38, 1-based): chr16:10,906,723, C>T. VCF-style: chr16-10906723-C-T. GRCh37 (hg19) VCF-style: chr16-11000580-C-T.
Other names: c.1234C>T, p.Arg412Cys (NM_001286402.1, NM_001379332.1); c.1087C>T, p.Arg363Cys (NM_001379330.1); c.1084C>T, p.Arg362Cys (NM_001379331.1); c.1231C>T, p.Arg411Cys (NM_001379333.1); c.1162C>T, p.Arg388Cys (NM_001379334.1); c.859+1911C>T (NM_001286403.2); short protein forms R411C, R412C, R362C, R363C, R388C.
Identifiers: ClinVar variation 857781 (VCV000857781.7), dbSNP rs201966261, ClinGen allele CA7900087.